The following is an entry in ClinVar:

NC_000005.10:g.112815496del

Gene: APC (APC regulator of Wnt signaling pathway; plus strand). Cytogenetic location: 5q22.2.
Variant type: Deletion.
Genome position: GRCh38 VCF-style: chr5-112815493-AG-A. GRCh37 (hg19) VCF-style: chr5-112151190-AG-A.
Identifiers: ClinVar variation 4734258 (VCV004734258.1).

ClinVar aggregate classification (germline): Pathogenic (1 of 4 stars; one submission).

Conditions:
Familial adenomatous polyposis 1 (FAP1). Also called: FAMILIAL ADENOMATOUS POLYPOSIS 1, ATTENUATED; POLYPOSIS, ADENOMATOUS INTESTINAL. Identifiers: MedGen C2713442, MONDO:0021056, OMIM 175100. Disease mechanism: loss of function.

Submission:

Labcorp Genetics (formerly Invitae), Labcorp
Classification: Pathogenic for Familial adenomatous polyposis 1. Last evaluated: 2025-12-28. Review status: criteria provided, single submitter. Criteria: Invitae Variant Classification Sherloc (09022015). Collection method: clinical testing. Allele origin: germline.
Comment: This sequence change creates a premature translational stop signal (p.Gly279Valfs*14) in the APC gene. It is expected to result in an absent or disrupted protein product. Loss-of-function variants in APC are known to be pathogenic (PMID: 17963004, 20685668). This variant is not present in population databases (gnomAD no frequency). This variant has not been reported in the literature in individuals affected with APC-related conditions. Algorithms developed to predict the effect of sequence changes on RNA splicing suggest that this variant may disrupt the consensus splice site. For these reasons, this variant has been classified as Pathogenic.

Literature cited by the submitters: PubMed 17963004; PubMed 20685668.